The following is an entry in ClinVar:

ClinVar aggregate classification (germline): Likely pathogenic (1 of 4 stars; one submission).

Conditions:
CLCN4-related disorder. Identifiers: MedGen CN232948.

Submission:

GeneDx
Classification: Likely pathogenic. Last evaluated: 2017-05-17. Review status: criteria provided, single submitter. Criteria: GeneDx Variant Classification (06012015). Collection method: clinical testing. Allele origin: germline. Affected: yes.
Comment: The G269D variant in the CLCN4 gene has not been reported previously as a pathogenic variant, nor as a benign variant, to our knowledge. The G269D variant is not observed in large population cohorts (Lek et al., 2016; 1000 Genomes Consortium et al., 2015; Exome Variant Server). The G269D variant is a non-conservative amino acid substitution, which is likely to impact secondary protein structure as these residues differ in polarity, charge, size and/or other properties. This substitution occurs at a position that is conserved across species, and in silico analysis predicts this variant is probably damaging to the protein structure/function. We interpret G269D as a likely pathogenic variant.

NM_001830.4(CLCN4):c.806G>A (p.Gly269Asp)

Gene: CLCN4 (chloride voltage-gated channel 4; plus strand). Cytogenetic location: Xp22.2.
Variant type: single nucleotide variant.
Coding change: c.806G>A on transcript NM_001830.4 (MANE Select); coding-DNA position 806, G replaced by A.
Protein change: p.Gly269Asp; replaces glycine 269 with aspartic acid.
Molecular consequence: missense variant.
Genome position (GRCh38, 1-based): chrX:10,206,739, G>A. VCF-style: chrX-10206739-G-A. GRCh37 (hg19) VCF-style: chrX-10174779-G-A.
Other names: c.524G>A, p.Gly175Asp (NM_001256944.2); short protein forms G269D, G175D.
Identifiers: ClinVar variation 429943 (VCV000429943.3), dbSNP rs1131691687, ClinGen allele CA412037184.